The following is an entry in ClinVar:

NM_002519.3(NPAT):c.3931C>T (p.Pro1311Ser)

Gene: NPAT (nuclear protein, coactivator of histone transcription; minus strand). Cytogenetic location: 11q22.3.
Variant type: single nucleotide variant.
Coding change: c.3931C>T on transcript NM_002519.3 (MANE Select); coding-DNA position 3931, C replaced by T.
Protein change: p.Pro1311Ser; replaces proline 1311 with serine.
Molecular consequence: missense variant.
Genome position (GRCh38, 1-based): chr11:108,161,155, G>A on the plus strand (C>T on the coding strand, the complement: NPAT is on the minus strand). VCF-style: chr11-108161155-G-A. GRCh37 (hg19) VCF-style: chr11-108031882-G-A.
Other names: c.3952C>T, p.Pro1318Ser (NM_001321307.1); c.3931C>T (NM_002519.2); short protein forms P1318S, P1311S.
Identifiers: ClinVar variation 2813564 (VCV002813564.4), dbSNP rs2496694022, ClinGen allele CA382509735.

ClinVar aggregate classification (germline): Uncertain significance. Review status: criteria provided, multiple submitters, no conflicts (2 of 4 stars). 2 submissions from 2 submitters: Uncertain significance (2). Last evaluated 2024-03-09.

Submissions (2):

Ambry Genetics
Classification: Uncertain significance. Last evaluated: 2024-03-09. Review status: criteria provided, single submitter. Criteria: Ambry Variant Classification Scheme 2023. Collection method: clinical testing. Allele origin: germline.
Comment: The p.P1311S variant (also known as c.3931C>T), located in coding exon 17 of the NPAT gene, results from a C to T substitution at nucleotide position 3931. The proline at codon 1311 is replaced by serine, an amino acid with similar properties. This amino acid position is conserved. In addition, this alteration is predicted to be tolerated by in silico analysis. Based on the available evidence, the clinical significance of this alteration remains unclear.

Labcorp Genetics (formerly Invitae), Labcorp
Classification: Uncertain significance. Last evaluated: 2022-11-11. Review status: criteria provided, single submitter. Criteria: Invitae Variant Classification Sherloc (09022015). Collection method: clinical testing. Allele origin: germline.
Comment: This sequence change replaces proline, which is neutral and non-polar, with serine, which is neutral and polar, at codon 1311 of the NPAT protein (p.Pro1311Ser). This variant is not present in population databases (gnomAD no frequency). This variant has not been reported in the literature in individuals affected with NPAT-related conditions. Algorithms developed to predict the effect of missense changes on protein structure and function are either unavailable or do not agree on the potential impact of this missense change (SIFT: "Deleterious"; PolyPhen-2: "Possibly Damaging"; Align-GVGD: "Class C0"). In summary, the available evidence is currently insufficient to determine the role of this variant in disease. Therefore, it has been classified as a Variant of Uncertain Significance.